The following is an entry in ClinVar:

NM_001164508.2(NEB):c.20636C>T (p.Thr6879Ile)

Gene: NEB (nebulin; minus strand). Cytogenetic location: 2q23.3.
Variant type: single nucleotide variant.
Coding change: c.20636C>T on transcript NM_001164508.2 (MANE Select); coding-DNA position 20636, C replaced by T.
Protein change: p.Thr6879Ile; replaces threonine 6879 with isoleucine.
Molecular consequence: missense variant.
Genome position (GRCh38, 1-based): chr2:151,541,493, G>A on the plus strand (C>T on the coding strand, the complement: NEB is on the minus strand). VCF-style: chr2-151541493-G-A. GRCh37 (hg19) VCF-style: chr2-152398007-G-A.
Other names: c.20636C>T, p.Thr6879Ile (NM_001164507.2, NM_001271208.2); c.15533C>T, p.Thr5178Ile (NM_004543.5); short protein forms T5178I, T6879I.
Identifiers: ClinVar variation 4738718 (VCV004738718.3).

ClinVar aggregate classification (germline): Uncertain significance. Review status: criteria provided, multiple submitters, no conflicts (2 of 4 stars). 2 submissions from 2 submitters: Uncertain significance (2). Last evaluated 2026-04-01.

Conditions:
Nemaline myopathy 2 (NEM2). Also called: Nemaline myopathy 2, autosomal recessive. Identifiers: MedGen C1850569, MONDO:0009725, OMIM 256030.

gnomAD v4.1: 4 of 1,613,514 alleles (0.00025%); highest among the groups gnomAD compares: Middle Eastern, 0.017%; no homozygotes.

Submissions (2):

CeGaT Center for Human Genetics Tuebingen
Classification: Uncertain significance. Last evaluated: 2026-04-01. Review status: criteria provided, single submitter. Criteria: CeGaT Center For Human Genetics Tuebingen Variant Classification Criteria Version 2. Collection method: clinical testing. Allele origin: germline. Affected: yes. Observed: 1 variant allele.
Comment: NEB: PM2

Labcorp Genetics (formerly Invitae), Labcorp
Classification: Uncertain significance for Nemaline myopathy 2. Last evaluated: 2025-11-18. Review status: criteria provided, single submitter. Criteria: Invitae Variant Classification Sherloc (09022015). Collection method: clinical testing. Allele origin: germline.
Comment: This sequence change replaces threonine, which is neutral and polar, with isoleucine, which is neutral and non-polar, at codon 6879 of the NEB protein (p.Thr6879Ile). This variant is not present in population databases (gnomAD no frequency). This variant has not been reported in the literature in individuals affected with NEB-related conditions. Experimental studies and prediction algorithms are not available or were not evaluated, and the functional significance of this variant is currently unknown. In summary, the available evidence is currently insufficient to determine the role of this variant in disease. Therefore, it has been classified as a Variant of Uncertain Significance.